The following is an entry in ClinVar:

NM_000059.4(BRCA2):c.2688T>G (p.Asn896Lys)

Gene: BRCA2 (BRCA2 DNA repair associated; plus strand). Cytogenetic location: 13q13.1.
Variant type: single nucleotide variant.
Coding change: c.2688T>G on transcript NM_000059.4 (MANE Select); coding-DNA position 2688, T replaced by G.
Protein change: p.Asn896Lys; replaces asparagine 896 with lysine.
Molecular consequence: missense variant.
Genome position (GRCh38, 1-based): chr13:32,337,043, T>G. VCF-style: chr13-32337043-T-G. GRCh37 (hg19) VCF-style: chr13-32911180-T-G.
Other names: c.2688T>G, p.Asn896Lys (NM_001406719.1, NM_001406720.1); short protein forms N896K.
Identifiers: ClinVar variation 2053645 (VCV002053645.6), dbSNP rs769652613, ClinGen allele CA387773448.

ClinVar aggregate classification (germline): Conflicting classifications of pathogenicity. Review status: criteria provided, conflicting classifications (1 of 4 stars). 2 submissions from 2 submitters: Uncertain significance (1); Likely benign (1). Last evaluated 2023-03-23.

Conditions:
Hereditary cancer-predisposing syndrome. Also called: Hereditary neoplastic syndrome; Neoplastic Syndromes, Hereditary; Tumor predisposition; Hereditary Cancer Syndrome. Identifiers: Orphanet 140162, MedGen C0027672, MeSH D009386, MONDO:0015356.
Hereditary breast ovarian cancer syndrome. Also called: Hereditary breast and ovarian cancer syndrome; Hereditary breast and ovarian cancer syndrome (HBOC); Breast and ovarian cancer; Hereditary breast and ovarian cancer; BRCA1- and BRCA2-Associated Hereditary Breast and Ovarian Cancer; Hereditary breast and/or ovarian cancer syndrome. Identifiers: Orphanet 145, MedGen C0677776, MeSH D061325, MONDO:0003582. Disease mechanism: loss of function.

Submissions (2):

University of Washington Department of Laboratory Medicine, University of Washington
Classification: Likely benign for Hereditary cancer-predisposing syndrome. Last evaluated: 2023-03-23. Review status: criteria provided, single submitter. Criteria: Dines et al. (Genet Med. 2020). Collection method: curation. Allele origin: germline.
Comment: Missense variant in a coldspot region where missense variants are very unlikely to be pathogenic (PMID:31911673).

BRCA2 exon 11 coldspot. Reclassification based on statistical prior probability.

Labcorp Genetics (formerly Invitae), Labcorp
Classification: Uncertain significance for Hereditary breast ovarian cancer syndrome. Last evaluated: 2021-12-22. Review status: criteria provided, single submitter. Criteria: Invitae Variant Classification Sherloc (09022015). Collection method: clinical testing. Allele origin: germline.
Comment: This sequence change replaces asparagine, which is neutral and polar, with lysine, which is basic and polar, at codon 896 of the BRCA2 protein (p.Asn896Lys). This variant is not present in population databases (gnomAD no frequency). This variant has not been reported in the literature in individuals affected with BRCA2-related conditions. Advanced modeling of protein sequence and biophysical properties (such as structural, functional, and spatial information, amino acid conservation, physicochemical variation, residue mobility, and thermodynamic stability) performed at Invitae indicates that this missense variant is not expected to disrupt BRCA2 protein function. In summary, the available evidence is currently insufficient to determine the role of this variant in disease. Therefore, it has been classified as a Variant of Uncertain Significance.